The following is an entry in ClinVar:

NM_001378609.3(OTOGL):c.4146C>A (p.Pro1382=)

Gene: OTOGL (otogelin like; plus strand). Cytogenetic location: 12q21.31.
Variant type: single nucleotide variant.
Coding change: c.4146C>A on transcript NM_001378609.3 (MANE Select); coding-DNA position 4146, C replaced by A.
Protein change: p.Pro1382=; no amino-acid change (proline 1382 retained).
Molecular consequence: synonymous variant.
Genome position (GRCh38, 1-based): chr12:80,323,787, C>A. VCF-style: chr12-80323787-C-A. GRCh37 (hg19) VCF-style: chr12-80717567-C-A.
Other names: c.4011C>A, p.Pro1337= (NM_001368062.3); c.4146C>A, p.Pro1382= (NM_001378610.3, NM_173591.7).
Identifiers: ClinVar variation 227821 (VCV000227821.13), dbSNP rs374853700, ClinGen allele CA6701271.
Genomic context (GRCh38, chr12:80,323,787, plus strand): 5'-CCAGGCAGCAGTGCCTTACAGGAAGATGTGTGAATGGAGATATGAACCTTGTGCTACACC[C>A]TGTTTTAAAACATGTAGTGACCCTGAAGCACTAGCATGTAAATTTCTTCCACCGTAAGTA-3'
Protein context (NP_001365538.2, residues 1372-1392): CEWRYEPCAT[Pro1382=]CFKTCSDPEA

ClinVar aggregate classification (germline): Benign/Likely benign. Review status: criteria provided, multiple submitters, no conflicts (2 of 4 stars). 3 submissions from 3 submitters: Benign (1); Likely benign (2). Last evaluated 2024-10-18.

Allele frequency attached by ClinVar (database versions not stated): TOPMed 0.00006; ESP Exome Variant Server 0.00008; gnomAD 0.00045.
gnomAD v4.1: 386 of 1,613,748 alleles (0.024%); highest among the groups gnomAD compares: Non-Finnish European, 0.0053%; no homozygotes.

Submissions (3):

Blueprint Genetics
Classification: Likely benign. Last evaluated: 2024-10-18. Review status: criteria provided, single submitter. Criteria: ACMG Guidelines, 2015. Collection method: clinical testing. Allele origin: germline.

Labcorp Genetics (formerly Invitae), Labcorp
Classification: Benign. Last evaluated: 2024-02-28. Review status: criteria provided, single submitter. Criteria: Invitae Variant Classification Sherloc (09022015). Collection method: clinical testing. Allele origin: germline.

Laboratory for Molecular Medicine, Mass General Brigham Personalized Medicine
Classification: Likely benign. Last evaluated: 2014-11-24. Review status: criteria provided, single submitter. Criteria: LMM Criteria. Collection method: clinical testing. Allele origin: germline. Observed: 1 variant allele.
Comment: Pro1373Pro in exon 34 of OTOGL: This variant is not expected to have clinical si gnificance because it does not alter an amino acid residue and is not located wi thin the splice consensus sequence. It has been identified in 1/8228 European Am erican chromosomes from a broad population by the NHLBI Exome Sequencing Project.